The following is an entry in ClinVar:

ClinVar aggregate classification (germline): Uncertain significance (1 of 4 stars; one submission).

Conditions:
Primary ciliary dyskinesia 28. Also called: CILIARY DYSKINESIA, PRIMARY, 28, WITH OR WITHOUT SITUS INVERSUS. Identifiers: Orphanet 244, MedGen C3809706, MONDO:0014216, OMIM 615505.

Submission:

Labcorp Genetics (formerly Invitae), Labcorp
Classification: Uncertain significance for Primary ciliary dyskinesia 28. Last evaluated: 2022-08-16. Review status: criteria provided, single submitter. Criteria: Invitae Variant Classification Sherloc (09022015). Collection method: clinical testing. Allele origin: germline.
Comment: In summary, the available evidence is currently insufficient to determine the role of this variant in disease. Therefore, it has been classified as a Variant of Uncertain Significance. Algorithms developed to predict the effect of missense changes on protein structure and function output the following: SIFT: "Tolerated"; PolyPhen-2: "Benign"; Align-GVGD: "Class C0". The glycine amino acid residue is found in multiple mammalian species, which suggests that this missense change does not adversely affect protein function. ClinVar contains an entry for this variant (Variation ID: 953124). This variant has not been reported in the literature in individuals affected with SPAG1-related conditions. This variant is not present in population databases (gnomAD no frequency). This sequence change replaces serine, which is neutral and polar, with glycine, which is neutral and non-polar, at codon 418 of the SPAG1 protein (p.Ser418Gly).

NM_003114.5(SPAG1):c.1252A>G (p.Ser418Gly)

Genes: SPAG1 (sperm associated antigen 1; plus strand), LOC130000832 (ATAC-STARR-seq lymphoblastoid silent region 19412; plus strand). Cytogenetic location: 8q22.2.
Variant type: single nucleotide variant.
Coding change: c.1252A>G on transcript NM_003114.5 (MANE Select); coding-DNA position 1252, A replaced by G.
Protein change: p.Ser418Gly; replaces serine 418 with glycine.
Molecular consequence: missense variant.
Genome position (GRCh38, 1-based): chr8:100,213,245, A>G. VCF-style: chr8-100213245-A-G. GRCh37 (hg19) VCF-style: chr8-101225473-A-G.
Other names: c.1252A>G, p.Ser418Gly (NM_001374321.1, NM_172218.3); short protein forms S418G.
Identifiers: ClinVar variation 953124 (VCV000953124.10), dbSNP rs1817812342, ClinGen allele CA371809087.